The following is an entry in ClinVar:

NM_001130823.3(DNMT1):c.1916T>C (p.Leu639Pro)

Gene: DNMT1 (DNA methyltransferase 1; minus strand). Cytogenetic location: 19p13.2.
Variant type: single nucleotide variant.
Coding change: c.1916T>C on transcript NM_001130823.3 (MANE Select); coding-DNA position 1916, T replaced by C.
Protein change: p.Leu639Pro; replaces leucine 639 with proline.
Molecular consequence: missense variant.
Genome position (GRCh38, 1-based): chr19:10,154,396, A>G on the plus strand (T>C on the coding strand, the complement: DNMT1 is on the minus strand). VCF-style: chr19-10154396-A-G. GRCh37 (hg19) VCF-style: chr19-10265072-A-G.
Other names: c.1868T>C, p.Leu623Pro (NM_001318730.2, NM_001379.4); c.1553T>C, p.Leu518Pro (NM_001318731.2); short protein forms L518P, L623P, L639P.
Identifiers: ClinVar variation 3906685 (VCV003906685.1).
Genomic context (GRCh38, chr19:10,154,396, plus strand): 5'-TCTTCTCTGTCATCCTTTTCAATTTGCTCTGCGAAGAAAGTATCGAAGATCTGGTAGACC[A>G]GCTTGGTGGTGGTGGCTTTCGTGGGTCCCCTGTCCTTCTCCCTGGTAGAATGCCTGATGG-3'
Protein context (NP_001124295.1, residues 629-649): RGPTKATTTK[Leu639Pro]VYQIFDTFFA

ClinVar aggregate classification (germline): Uncertain significance (1 of 4 stars; one submission).

gnomAD v4.1: 4 of 1,614,236 alleles (0.00025%); highest among the groups gnomAD compares: Non-Finnish European, 0.00034%; no homozygotes.

Submission:

GeneDx
Classification: Uncertain significance. Last evaluated: 2024-12-17. Review status: criteria provided, single submitter. Criteria: GeneDx Variant Classification Process June 2021. Collection method: clinical testing. Allele origin: germline. Affected: yes.
Comment: Not observed at significant frequency in large population cohorts (gnomAD); In silico analysis supports that this missense variant has a deleterious effect on protein structure/function; Has not been previously published as pathogenic or benign to our knowledge